The following is an entry in ClinVar:

ClinVar aggregate classification (germline): Uncertain significance (1 of 4 stars; one submission).

Submission:

GeneDx
Classification: Uncertain significance. Last evaluated: 2023-06-16. Review status: criteria provided, single submitter. Criteria: GeneDx Variant Classification Process June 2021. Collection method: clinical testing. Allele origin: germline. Affected: yes.
Comment: Not observed at significant frequency in large population cohorts (gnomAD); In silico analysis supports that this missense variant does not alter protein structure/function; Has not been previously published as pathogenic or benign to our knowledge

NM_078480.3(PUF60):c.199C>A (p.Leu67Ile)

Gene: PUF60 (poly(U) binding splicing factor 60; minus strand). Cytogenetic location: 8q24.3.
Variant type: single nucleotide variant.
Coding change: c.199C>A on transcript NM_078480.3 (MANE Select); coding-DNA position 199, C replaced by A.
Protein change: p.Leu67Ile; replaces leucine 67 with isoleucine.
Molecular consequence: missense variant.
Genome position (GRCh38, 1-based): chr8:143,821,826, G>T on the plus strand (C>A on the coding strand, the complement: PUF60 is on the minus strand). VCF-style: chr8-143821826-G-T. GRCh37 (hg19) VCF-style: chr8-144903996-G-T.
Other names: c.70C>A, p.Leu24Ile (NM_001136033.3, NM_001271100.2); c.196C>A, p.Leu66Ile (NM_001271096.2, NM_001271098.2); c.112C>A, p.Leu38Ile (NM_001271097.2, NM_001271099.2); c.310C>A, p.Leu104Ile (NM_001362895.2, NM_001362896.2, NM_001362897.2); c.199C>A, p.Leu67Ile (NM_014281.5); short protein forms L104I, L24I, L38I, L66I, L67I.
Identifiers: ClinVar variation 3359961 (VCV003359961.1).